The following is an entry in ClinVar:

ClinVar aggregate classification (germline): Benign/Likely benign. Review status: criteria provided, multiple submitters, no conflicts (2 of 4 stars). 6 submissions from 6 submitters: Benign (1); Likely benign (4). 1 of the submissions does not count toward it. Last evaluated 2026-04-03.

Conditions:
COL9A3-related disorder. Also called: COL9A3-related condition.

Allele frequency attached by ClinVar (database versions not stated): 1000 Genomes Project 30x 0.00047; 1000 Genomes Project 0.00060; ExAC 0.00085; gnomAD 0.00009 and 0.00021; TOPMed 0.00010; gnomAD exomes 0.00040.
gnomAD v4.1: 469 of 1,601,794 alleles (0.029%); highest among the groups gnomAD compares: South Asian, 0.31%; 4 homozygotes.

Submissions (6):

Women's Health and Genetics/Laboratory Corporation of America, LabCorp
Classification: Likely benign. Last evaluated: 2026-04-03. Review status: criteria provided, single submitter. Criteria: LabCorp Variant Classification Summary - May 2015. Collection method: clinical testing. Allele origin: germline.

CeGaT Center for Human Genetics Tuebingen
Classification: Likely benign. Last evaluated: 2026-03-01. Review status: criteria provided, single submitter. Criteria: CeGaT Center For Human Genetics Tuebingen Variant Classification Criteria Version 2. Collection method: clinical testing. Allele origin: germline. Affected: yes. Observed: 2 variant alleles.
Comment: COL9A3: BP4, BP7

Labcorp Genetics (formerly Invitae), Labcorp
Classification: Benign. Last evaluated: 2026-01-02. Review status: criteria provided, single submitter. Criteria: Invitae Variant Classification Sherloc (09022015). Collection method: clinical testing. Allele origin: germline.

Blueprint Genetics
Classification: Likely benign. Last evaluated: 2024-11-19. Review status: criteria provided, single submitter. Criteria: ACMG Guidelines, 2015. Collection method: clinical testing. Allele origin: germline.

GeneDx
Classification: Likely benign. Last evaluated: 2021-06-03. Review status: criteria provided, single submitter. Criteria: GeneDx Variant Classification Process June 2021. Collection method: clinical testing. Allele origin: germline. Affected: yes.

PreventionGenetics, part of Exact Sciences
Classification: Likely benign for COL9A3-related condition. Last evaluated: 2021-12-28. Review status: no assertion criteria provided. Collection method: clinical testing. Allele origin: germline. Not counted in ClinVar's aggregate classification.
Comment: This variant is classified as likely benign based on ACMG/AMP sequence variant interpretation guidelines (Richards et al. 2015 PMID: 25741868, with internal and published modifications).

NM_001853.4(COL9A3):c.537G>A (p.Pro179=)

Gene: COL9A3 (collagen type IX alpha 3 chain; plus strand). Cytogenetic location: 20q13.33.
Variant type: single nucleotide variant.
Coding change: c.537G>A on transcript NM_001853.4 (MANE Select); coding-DNA position 537, G replaced by A.
Protein change: p.Pro179=; no amino-acid change (proline 179 retained).
Molecular consequence: synonymous variant.
Genome position (GRCh38, 1-based): chr20:62,824,462, G>A. VCF-style: chr20-62824462-G-A. GRCh37 (hg19) VCF-style: chr20-61455814-G-A.
Other names: c.537G>A, p.Pro179= (LRG_1253t1).
Identifiers: ClinVar variation 258427 (VCV000258427.35), dbSNP rs530176764, ClinGen allele CA9949347.